The following is an entry in ClinVar:

NM_032043.3(BRIP1):c.597G>A (p.Leu199=)

Gene: BRIP1 (BRCA1 interacting DNA helicase 1; minus strand). Cytogenetic location: 17q23.2.
Variant type: single nucleotide variant.
Coding change: c.597G>A on transcript NM_032043.3 (MANE Select); coding-DNA position 597, G replaced by A.
Protein change: p.Leu199=; no amino-acid change (leucine 199 retained).
Molecular consequence: synonymous variant.
Genome position (GRCh38, 1-based): chr17:61,847,131, C>T on the plus strand (G>A on the coding strand, the complement: BRIP1 is on the minus strand). VCF-style: chr17-61847131-C-T. GRCh37 (hg19) VCF-style: chr17-59924492-C-T.
Identifiers: ClinVar variation 1369877 (VCV001369877.8), dbSNP rs2078746387, ClinGen allele CA501150617.
Genomic context (GRCh38, chr17:61,847,131, plus strand): 5'-TTAAAACTGAACAATGGCATTAATACATACTTTCTGTGGCGAAAAGGAGTTTATCTTTTC[C>T]AGTGGAGAGTTGAGTTTTACAGTCTTTCCTGAATCAACTTTTGCATCCAAATTGTGTACT-3'
Protein context (NP_114432.2, residues 189-209): SGKTVKLNSP[Leu199=]EKINSFSPQK

ClinVar aggregate classification (germline): Benign/Likely benign. Review status: criteria provided, multiple submitters, no conflicts (2 of 4 stars). 2 submissions from 2 submitters: Benign (1); Likely benign (1). Last evaluated 2024-08-21.

Conditions:
Fanconi anemia complementation group J. Also called: BRIP1-Related Fanconi Anemia. Identifiers: Orphanet 84, MedGen C1836860, MONDO:0012187, OMIM 609054.
Familial cancer of breast. Also called: Hereditary breast cancer; BREAST CANCER, FAMILIAL; hereditary breast carcinoma. Identifiers: Orphanet 227535, MedGen C0346153, MONDO:0016419, OMIM 114480. Disease mechanism: loss of function.

Submissions (2):

Myriad Genetics, Inc.
Classification: Benign for Familial cancer of breast. Last evaluated: 2024-08-21. Review status: criteria provided, single submitter. Criteria: Myriad Autosomal Dominant, Autosomal Recessive and X-Linked Classification Criteria (2023). Collection method: clinical testing. Allele origin: unknown.
Comment: This variant is considered benign. This variant is a silent/synonymous amino acid change and it is not expected to impact splicing.

Labcorp Genetics (formerly Invitae), Labcorp
Classification: Likely benign for Familial cancer of breast; Fanconi anemia complementation group J. Last evaluated: 2024-02-17. Review status: criteria provided, single submitter. Criteria: Invitae Variant Classification Sherloc (09022015). Collection method: clinical testing. Allele origin: germline.